The following is an entry in ClinVar:

ClinVar aggregate classification (germline): Benign/Likely benign. Review status: criteria provided, multiple submitters, no conflicts (2 of 4 stars). 7 submissions from 7 submitters: Benign (2); Likely benign (1). 4 of the submissions do not count toward it. Last evaluated 2026-03-01.

Conditions:
Short-rib thoracic dysplasia 10 with or without polydactyly (SRTD10). Identifiers: Orphanet 474, MedGen C3810175, MONDO:0014284, OMIM 615630.
Retinitis pigmentosa 71 (RP71). Identifiers: Orphanet 791, MedGen C4225342, MONDO:0014618, OMIM 616394.

Allele frequency attached by ClinVar (database versions not stated): 1000 Genomes Project 30x 0.00031; 1000 Genomes Project 0.00040; TOPMed 0.00318; gnomAD 0.00343 and 0.00361; ExAC 0.00367; ESP Exome Variant Server 0.00431; gnomAD exomes 0.00431 and 0.00449.
gnomAD v4.1: 7,187 of 1,614,120 alleles (0.45%); highest among the groups gnomAD compares: Non-Finnish European, 0.42%; 64 homozygotes.

Submissions (7):

CeGaT Center for Human Genetics Tuebingen
Classification: Likely benign. Last evaluated: 2026-03-01. Review status: criteria provided, single submitter. Criteria: CeGaT Center For Human Genetics Tuebingen Variant Classification Criteria Version 2. Collection method: clinical testing. Allele origin: germline. Affected: yes. Observed: 8 variant alleles.
Comment: IFT172: BP4, BS2

Labcorp Genetics (formerly Invitae), Labcorp
Classification: Benign for Retinitis pigmentosa 71; Short-rib thoracic dysplasia 10 with or without polydactyly. Last evaluated: 2026-02-02. Review status: criteria provided, single submitter. Criteria: Invitae Variant Classification Sherloc (09022015). Collection method: clinical testing. Allele origin: germline.

GeneDx
Classification: Benign. Last evaluated: 2019-01-04. Review status: criteria provided, single submitter. Criteria: GeneDx Variant Classification Process June 2021. Collection method: clinical testing. Allele origin: germline. Affected: yes.

Clinical Genetics DNA and cytogenetics Diagnostics Lab, Erasmus MC, Erasmus Medical Center
Classification: Likely benign. Review status: no assertion criteria provided. Collection method: clinical testing. Allele origin: germline. Affected: yes. Study: VKGL Data-share Consensus. Not counted in ClinVar's aggregate classification.

Clinical Genetics, Academic Medical Center
Classification: Benign. Review status: no assertion criteria provided. Collection method: clinical testing. Allele origin: germline. Affected: yes. Study: VKGL Data-share Consensus. Not counted in ClinVar's aggregate classification.

Genome Diagnostics Laboratory, University Medical Center Utrecht
Classification: Likely benign. Review status: no assertion criteria provided. Collection method: clinical testing. Allele origin: germline. Affected: yes. Study: VKGL Data-share Consensus. Not counted in ClinVar's aggregate classification.

Laboratory of Diagnostic Genome Analysis, Leiden University Medical Center (LUMC)
Classification: Likely benign. Review status: no assertion criteria provided. Collection method: clinical testing. Allele origin: germline. Affected: yes. Study: VKGL Data-share Consensus. Not counted in ClinVar's aggregate classification.

NM_015662.3(IFT172):c.4540-6C>T

Gene: IFT172 (intraflagellar transport 172; minus strand). Cytogenetic location: 2p23.3.
Variant type: single nucleotide variant.
Coding change: c.4540-6C>T on transcript NM_015662.3 (MANE Select); 6 bases into the intron before coding-DNA position 4540, C replaced by T.
Molecular consequence: intron variant.
Genome position (GRCh38, 1-based): chr2:27,447,640, G>A on the plus strand (C>T on the coding strand, the complement: IFT172 is on the minus strand). VCF-style: chr2-27447640-G-A. GRCh37 (hg19) VCF-style: chr2-27670507-G-A.
Identifiers: ClinVar variation 379446 (VCV000379446.40), dbSNP rs146140583, ClinGen allele CA1579556.